The following is an entry in ClinVar:

ClinVar aggregate classification (germline): Likely benign (1 of 4 stars; one submission).

Allele frequency attached by ClinVar (database versions not stated): ExAC 0.00112; gnomAD 0.00182; ESP Exome Variant Server 0.00190; 1000 Genomes Project 0.00200; 1000 Genomes Project 30x 0.00203; TOPMed 0.00279.
gnomAD v4.1: 1,226 of 1,594,982 alleles (0.077%); highest among the groups gnomAD compares: Admixed American, 0.37%; 1 homozygote.

Submission:

CeGaT Center for Human Genetics Tuebingen
Classification: Likely benign. Last evaluated: 2022-03-01. Review status: criteria provided, single submitter. Criteria: CeGaT Center For Human Genetics Tuebingen Variant Classification Criteria Version 2. Collection method: clinical testing. Allele origin: germline. Affected: yes. Observed: 1 variant allele.
Comment: CCDC136: BP4, BP7

NM_022742.5(CCDC136):c.3027C>T (p.Ser1009=)

Gene: CCDC136 (coiled-coil domain containing 136; plus strand). Cytogenetic location: 7q32.1.
Variant type: single nucleotide variant.
Coding change: c.3027C>T on transcript NM_022742.5 (MANE Select); coding-DNA position 3027, C replaced by T.
Protein change: p.Ser1009=; no amino-acid change (serine 1009 retained).
Molecular consequence: synonymous variant. On other transcripts: intron variant (8).
Genome position (GRCh38, 1-based): chr7:128,814,901, C>T. VCF-style: chr7-128814901-C-T. GRCh37 (hg19) VCF-style: chr7-128454955-C-T.
Other names: c.1606-2857C>T (NM_001367765.1); c.3177C>T, p.Ser1059= (NM_001367764.1); c.2913+1972C>T (NM_001363423.2); c.1756-2857C>T (NM_001367763.1); c.1240-2857C>T (NM_001367761.1); c.2877+1972C>T (NM_001363424.2); c.1720-2857C>T (NM_001367762.1); c.1204-2857C>T (NM_001201372.2); and 1 more.
Identifiers: ClinVar variation 2657990 (VCV002657990.24), dbSNP rs184775299, ClinGen allele CA4473822.